The following is an entry in ClinVar:

ClinVar aggregate classification (germline): Uncertain significance (1 of 4 stars; one submission).

Conditions:
RYR1-related disorder. Also called: RYR1-related condition; RYR1-related disorders. Identifiers: MedGen CN239331.

Submission:

Labcorp Genetics (formerly Invitae), Labcorp
Classification: Uncertain significance for RYR1-related disorder. Last evaluated: 2022-09-12. Review status: criteria provided, single submitter. Criteria: Invitae Variant Classification Sherloc (09022015). Collection method: clinical testing. Allele origin: germline.
Comment: Advanced modeling of protein sequence and biophysical properties (such as structural, functional, and spatial information, amino acid conservation, physicochemical variation, residue mobility, and thermodynamic stability) has been performed at Invitae for this missense variant, however the output from this modeling did not meet the statistical confidence thresholds required to predict the impact of this variant on RYR1 protein function. In summary, the available evidence is currently insufficient to determine the role of this variant in disease. Therefore, it has been classified as a Variant of Uncertain Significance. This variant has not been reported in the literature in individuals affected with RYR1-related conditions. This variant is not present in population databases (gnomAD no frequency). This sequence change replaces serine, which is neutral and polar, with leucine, which is neutral and non-polar, at codon 2145 of the RYR1 protein (p.Ser2145Leu).

NM_000540.3(RYR1):c.6434C>T (p.Ser2145Leu)

Gene: RYR1 (ryanodine receptor 1; plus strand). Cytogenetic location: 19q13.2.
Variant type: single nucleotide variant.
Coding change: c.6434C>T on transcript NM_000540.3 (MANE Select); coding-DNA position 6434, C replaced by T.
Protein change: p.Ser2145Leu; replaces serine 2145 with leucine.
Molecular consequence: missense variant.
Genome position (GRCh38, 1-based): chr19:38,494,511, C>T. VCF-style: chr19-38494511-C-T. GRCh37 (hg19) VCF-style: chr19-38985151-C-T.
Other names: c.6434C>T, p.Ser2145Leu (NM_001042723.2); short protein forms S2145L.
Identifiers: ClinVar variation 1991555 (VCV001991555.4), dbSNP rs2514275353, ClinGen allele CA405664070.